The following is an entry in ClinVar:

ClinVar aggregate classification (germline): Uncertain significance (1 of 4 stars; one submission).

Submission:

Labcorp Genetics (formerly Invitae), Labcorp
Classification: Uncertain significance. Last evaluated: 2025-04-02. Review status: criteria provided, single submitter. Criteria: Invitae Variant Classification Sherloc (09022015). Collection method: clinical testing. Allele origin: germline.
Comment: This sequence change replaces glutamic acid, which is acidic and polar, with lysine, which is basic and polar, at codon 407 of the KIF22 protein (p.Glu407Lys). This variant is not present in population databases (gnomAD no frequency). This variant has not been reported in the literature in individuals affected with KIF22-related conditions. Invitae Evidence Modeling of protein sequence and biophysical properties (such as structural, functional, and spatial information, amino acid conservation, physicochemical variation, residue mobility, and thermodynamic stability) indicates that this missense variant is not expected to disrupt KIF22 protein function with a negative predictive value of 80%. In summary, the available evidence is currently insufficient to determine the role of this variant in disease. Therefore, it has been classified as a Variant of Uncertain Significance.

NM_007317.3(KIF22):c.1219G>A (p.Glu407Lys)

Gene: KIF22 (kinesin family member 22; plus strand). Cytogenetic location: 16p11.2.
Variant type: single nucleotide variant.
Coding change: c.1219G>A on transcript NM_007317.3 (MANE Select); coding-DNA position 1219, G replaced by A.
Protein change: p.Glu407Lys; replaces glutamic acid 407 with lysine.
Molecular consequence: missense variant.
Genome position (GRCh38, 1-based): chr16:29,799,987, G>A. VCF-style: chr16-29799987-G-A. GRCh37 (hg19) VCF-style: chr16-29811308-G-A.
Other names: c.1015G>A, p.Glu339Lys (NM_001256269.2, NM_001256270.1); short protein forms E407K, E339K.
Identifiers: ClinVar variation 4775204 (VCV004775204.1).